The following is an entry in ClinVar:

ClinVar aggregate classification (germline): Uncertain significance (1 of 4 stars; one submission).

Conditions:
Charcot-Marie-Tooth disease type 4. Also called: Charcot-Marie-Tooth, Type 4; Charcot-Marie-Tooth disease, type IV. Identifiers: Orphanet 64749, MedGen C4082197, MONDO:0018995.

Submission:

Labcorp Genetics (formerly Invitae), Labcorp
Classification: Uncertain significance for Charcot-Marie-Tooth disease type 4. Last evaluated: 2024-02-09. Review status: criteria provided, single submitter. Criteria: Invitae Variant Classification Sherloc (09022015). Collection method: clinical testing. Allele origin: germline.
Comment: This sequence change replaces isoleucine, which is neutral and non-polar, with methionine, which is neutral and non-polar, at codon 7 of the SH3TC2 protein (p.Ile7Met). This variant is not present in population databases (gnomAD no frequency). This variant has not been reported in the literature in individuals affected with SH3TC2-related conditions. ClinVar contains an entry for this variant (Variation ID: 2083293). Advanced modeling of protein sequence and biophysical properties (such as structural, functional, and spatial information, amino acid conservation, physicochemical variation, residue mobility, and thermodynamic stability) performed at Invitae indicates that this missense variant is not expected to disrupt SH3TC2 protein function with a negative predictive value of 95%. In summary, the available evidence is currently insufficient to determine the role of this variant in disease. Therefore, it has been classified as a Variant of Uncertain Significance.

NM_024577.4(SH3TC2):c.21C>G (p.Ile7Met)

Gene: SH3TC2 (SH3 domain and tetratricopeptide repeats 2; minus strand). Cytogenetic location: 5q32.
Variant type: single nucleotide variant.
Coding change: c.21C>G on transcript NM_024577.4 (MANE Select); coding-DNA position 21, C replaced by G.
Protein change: p.Ile7Met; replaces isoleucine 7 with methionine.
Molecular consequence: missense variant.
Genome position (GRCh38, 1-based): chr5:149,063,002, G>C on the plus strand (C>G on the coding strand, the complement: SH3TC2 is on the minus strand). VCF-style: chr5-149063002-G-C. GRCh37 (hg19) VCF-style: chr5-148442565-G-C.
Other names: short protein forms I7M.
Identifiers: ClinVar variation 2083293 (VCV002083293.4), dbSNP rs771384923, ClinGen allele CA361684698.